The following is an entry in ClinVar:

NM_032043.3(BRIP1):c.1730A>T (p.Lys577Met)

Gene: BRIP1 (BRCA1 interacting DNA helicase 1; minus strand). Cytogenetic location: 17q23.2.
Variant type: single nucleotide variant.
Coding change: c.1730A>T on transcript NM_032043.3 (MANE Select); coding-DNA position 1730, A replaced by T.
Protein change: p.Lys577Met; replaces lysine 577 with methionine.
Molecular consequence: missense variant.
Genome position (GRCh38, 1-based): chr17:61,780,904, T>A on the plus strand (A>T on the coding strand, the complement: BRIP1 is on the minus strand). VCF-style: chr17-61780904-T-A. GRCh37 (hg19) VCF-style: chr17-59858265-T-A.
Other names: short protein forms K577M.
Identifiers: ClinVar variation 581462 (VCV000581462.13), dbSNP rs1411869768, ClinGen allele CA400480369.

ClinVar aggregate classification (germline): Uncertain significance. Review status: criteria provided, multiple submitters, no conflicts (2 of 4 stars). 3 submissions from 3 submitters: Uncertain significance (3). Last evaluated 2025-06-18.

Conditions:
Hereditary cancer-predisposing syndrome. Also called: Neoplastic Syndromes, Hereditary; Hereditary Cancer Syndrome; Tumor predisposition; Hereditary neoplastic syndrome. Identifiers: Orphanet 140162, MedGen C0027672, MeSH D009386, MONDO:0015356.
Familial cancer of breast. Also called: hereditary breast carcinoma; BREAST CANCER, FAMILIAL; Hereditary breast cancer. Identifiers: Orphanet 227535, MedGen C0346153, MONDO:0016419, OMIM 114480. Disease mechanism: loss of function.
Fanconi anemia complementation group J. Also called: BRIP1-Related Fanconi Anemia. Identifiers: Orphanet 84, MedGen C1836860, MONDO:0012187, OMIM 609054.

Allele frequency attached by ClinVar (database versions not stated): gnomAD 0.00001; TOPMed 0.00001.
gnomAD v4.1: 1 of 1,614,102 alleles (0.000062%); highest among the groups gnomAD compares: African/African-American, 0.0013%; no homozygotes.

Submissions (3):

Labcorp Genetics (formerly Invitae), Labcorp
Classification: Uncertain significance for Familial cancer of breast; Fanconi anemia complementation group J. Last evaluated: 2025-06-18. Review status: criteria provided, single submitter. Criteria: Invitae Variant Classification Sherloc (09022015). Collection method: clinical testing. Allele origin: germline.
Comment: This sequence change replaces lysine, which is basic and polar, with methionine, which is neutral and non-polar, at codon 577 of the BRIP1 protein (p.Lys577Met). This variant is present in population databases (no rsID available, gnomAD 0.01%). This missense change has been observed in individual(s) with breast cancer (PMID: 34326862). ClinVar contains an entry for this variant (Variation ID: 581462). Invitae Evidence Modeling of protein sequence and biophysical properties (such as structural, functional, and spatial information, amino acid conservation, physicochemical variation, residue mobility, and thermodynamic stability) has been performed for this missense variant. However, the output from this modeling did not meet the statistical confidence thresholds required to predict the impact of this variant on BRIP1 protein function. In summary, the available evidence is currently insufficient to determine the role of this variant in disease. Therefore, it has been classified as a Variant of Uncertain Significance.

GeneDx
Classification: Uncertain significance. Last evaluated: 2024-08-14. Review status: criteria provided, single submitter. Criteria: GeneDx Variant Classification Process June 2021. Collection method: clinical testing. Allele origin: germline. Affected: yes.
Comment: Not observed at significant frequency in large population cohorts (gnomAD); In silico analysis supports that this missense variant has a deleterious effect on protein structure/function; Observed in a patient with breast cancer (PMID: 34326862); This variant is associated with the following publications: (PMID: 34326862)

Ambry Genetics
Classification: Uncertain significance for Hereditary cancer-predisposing syndrome. Last evaluated: 2023-08-28. Review status: criteria provided, single submitter. Criteria: Ambry Variant Classification Scheme 2023. Collection method: clinical testing. Allele origin: germline.
Comment: The p.K577M variant (also known as c.1730A>T), located in coding exon 11 of the BRIP1 gene, results from an A to T substitution at nucleotide position 1730. The lysine at codon 577 is replaced by methionine, an amino acid with similar properties. This amino acid position is not well conserved in available vertebrate species. In addition, this alteration is predicted to be tolerated by in silico analysis. Since supporting evidence is limited at this time, the clinical significance of this alteration remains unclear.

Literature cited by the submitters: PubMed 34326862 (cited by Labcorp Genetics (formerly Invitae), Labcorp).